The following is an entry in ClinVar:

ClinVar aggregate classification (germline): Benign. Review status: criteria provided, multiple submitters, no conflicts (2 of 4 stars). 2 submissions from 2 submitters: Benign (2). Last evaluated 2018-06-19.

Allele frequency attached by ClinVar (database versions not stated): 1000 Genomes Project 30x 0.24656; 1000 Genomes Project 0.24900; gnomAD 0.18654 and 0.19381; TOPMed 0.19218; gnomAD exomes 0.21612.
gnomAD v4.1: 108,368 of 517,390 alleles (21%); highest among the groups gnomAD compares: East Asian, 40%; 12,973 homozygotes.

Submissions (2):

GeneDx
Classification: Benign. Last evaluated: 2018-06-19. Review status: criteria provided, single submitter. Criteria: GeneDx Variant Classification (06012015). Collection method: clinical testing. Allele origin: germline. Affected: yes.
Comment: This variant is considered likely benign or benign based on one or more of the following criteria: it is a conservative change, it occurs at a poorly conserved position in the protein, it is predicted to be benign by multiple in silico algorithms, and/or has population frequency not consistent with disease.

Breakthrough Genomics
Classification: Benign. Review status: criteria provided, single submitter. Criteria: ACMG Guidelines, 2015. Collection method: not provided. Allele origin: germline. Inheritance: Autosomal dominant inheritance. Affected: yes.

NM_001035.3(RYR2):c.8130-135T>A

Gene: RYR2 (ryanodine receptor 2; plus strand). Cytogenetic location: 1q43.
Variant type: single nucleotide variant.
Coding change: c.8130-135T>A on transcript NM_001035.3 (MANE Select); 135 bases into the intron before coding-DNA position 8130, T replaced by A.
Molecular consequence: intron variant.
Genome position (GRCh38, 1-based): chr1:237,657,809, T>A. VCF-style: chr1-237657809-T-A. GRCh37 (hg19) VCF-style: chr1-237821109-T-A.
Identifiers: ClinVar variation 672099 (VCV000672099.2), dbSNP rs607785, ClinGen allele CA10757340.